The following is an entry in ClinVar:

NM_001127511.3(APC):c.-188C>T

Genes: APC (APC regulator of Wnt signaling pathway; plus strand), LOC129994371 (ATAC-STARR-seq lymphoblastoid active region 22910; plus strand). Cytogenetic location: 5q22.2.
Variant type: single nucleotide variant.
Coding change: c.-188C>T on transcript NM_001127511.3; 188 bases upstream of the start codon, C replaced by T.
Molecular consequence: 5 prime UTR variant. On other transcripts: non-coding transcript variant (2).
Genome position (GRCh38, 1-based): chr5:112,707,530, C>T. VCF-style: chr5-112707530-C-T. GRCh37 (hg19) VCF-style: chr5-112043227-C-T.
Other names: c.-371C>T (NM_001354895.2, NM_001407447.1, NM_001407452.1 and 3 more transcripts); c.-188C>T (NM_001354897.2, NM_001354902.2, NM_001407446.1); c.-138C>T (NM_001407448.1, NM_001407450.1, NM_001407457.1 and 1 more transcripts); c.-162C>T (NM_001407453.1); c.-1406C>T (NM_001407470.1, NM_001407472.1).
Identifiers: ClinVar variation 469858 (VCV000469858.16), dbSNP rs761454123, ClinGen allele CA124924833.

ClinVar aggregate classification (germline): Conflicting classifications of pathogenicity. Review status: criteria provided, conflicting classifications (1 of 4 stars). 4 submissions from 4 submitters: Uncertain significance (3); Likely benign (1). Last evaluated 2025-11-26.

Conditions:
Hereditary cancer-predisposing syndrome. Also called: Neoplastic Syndromes, Hereditary; Hereditary Cancer Syndrome; Tumor predisposition; Hereditary neoplastic syndrome. Identifiers: Orphanet 140162, MedGen C0027672, MeSH D009386, MONDO:0015356.
Familial adenomatous polyposis 1 (FAP1). Also called: FAMILIAL ADENOMATOUS POLYPOSIS 1, ATTENUATED; POLYPOSIS, ADENOMATOUS INTESTINAL. Identifiers: MedGen C2713442, MONDO:0021056, OMIM 175100. Disease mechanism: loss of function.

Allele frequency attached by ClinVar (database versions not stated): TOPMed 0.00001; gnomAD exomes 0.00002; gnomAD 0.00003 and 0.00004.
gnomAD v4.1: 13 of 487,828 alleles (0.0027%); highest among the groups gnomAD compares: African/African-American, 0.0039%; no homozygotes.

Submissions (4):

Labcorp Genetics (formerly Invitae), Labcorp
Classification: Uncertain significance for Familial adenomatous polyposis 1. Last evaluated: 2025-11-26. Review status: criteria provided, single submitter. Criteria: Invitae Variant Classification Sherloc (09022015). Collection method: clinical testing. Allele origin: germline.
Comment: This variant occurs in a non-coding region of the APC gene. It does not change the encoded amino acid sequence of the APC protein. This variant is present in population databases (rs761454123, gnomAD 0.01%). This variant has not been reported in the literature in individuals affected with APC-related conditions. ClinVar contains an entry for this variant (Variation ID: 469858). Experimental studies and prediction algorithms are not available or were not evaluated, and the functional significance of this variant is currently unknown. In summary, the available evidence is currently insufficient to determine the role of this variant in disease. Therefore, it has been classified as a Variant of Uncertain Significance.

Center for Genomic Medicine, Rigshospitalet, Copenhagen University Hospital
Classification: Uncertain significance. Last evaluated: 2025-03-04. Review status: criteria provided, single submitter. Criteria: ACMG Guidelines, 2015. Collection method: clinical testing. Allele origin: germline.

GeneDx
Classification: Uncertain significance. Last evaluated: 2023-12-28. Review status: criteria provided, single submitter. Criteria: GeneDx Variant Classification Process June 2021. Collection method: clinical testing. Allele origin: germline. Affected: yes.
Comment: Not observed at significant frequency in large population cohorts (gnomAD); Has not been previously published as pathogenic or benign to our knowledge; Also known as c.-47361C>T; This variant is associated with the following publications: (PMID: 27087319)

Color Diagnostics, LLC DBA Color Health
Classification: Likely benign for Hereditary cancer-predisposing syndrome. Last evaluated: 2021-02-16. Review status: criteria provided, single submitter. Criteria: ACMG Guidelines, 2015. Collection method: clinical testing. Allele origin: germline.

Literature cited by the submitters: PubMed 27087319 (cited by Center for Genomic Medicine, Rigshospitalet, Copenhagen University Hospital).